The following is an entry in ClinVar:

ClinVar aggregate classification (germline): Uncertain significance (1 of 4 stars; one submission).

Submission:

Labcorp Genetics (formerly Invitae), Labcorp
Classification: Uncertain significance. Last evaluated: 2022-10-30. Review status: criteria provided, single submitter. Criteria: Invitae Variant Classification Sherloc (09022015). Collection method: clinical testing. Allele origin: germline.
Comment: In summary, the available evidence is currently insufficient to determine the role of this variant in disease. Therefore, it has been classified as a Variant of Uncertain Significance. Algorithms developed to predict the effect of missense changes on protein structure and function are either unavailable or do not agree on the potential impact of this missense change (SIFT: "Tolerated"; PolyPhen-2: "Possibly Damaging"; Align-GVGD: "Class C0"). This variant has not been reported in the literature in individuals affected with IRF2BP2-related conditions. This variant is not present in population databases (gnomAD no frequency). This sequence change replaces leucine, which is neutral and non-polar, with phenylalanine, which is neutral and non-polar, at codon 93 of the IRF2BP2 protein (p.Leu93Phe).

NM_182972.3(IRF2BP2):c.279G>C (p.Leu93Phe)

Genes: IRF2BP2 (interferon regulatory factor 2 binding protein 2; minus strand), LOC129932812 (ATAC-STARR-seq lymphoblastoid silent region 1977; plus strand). Cytogenetic location: 1q42.3.
Variant type: single nucleotide variant.
Coding change: c.279G>C on transcript NM_182972.3 (MANE Select); coding-DNA position 279, G replaced by C.
Protein change: p.Leu93Phe; replaces leucine 93 with phenylalanine.
Molecular consequence: missense variant.
Genome position (GRCh38, 1-based): chr1:234,609,216, C>G on the plus strand (G>C on the coding strand, the complement: IRF2BP2 is on the minus strand). VCF-style: chr1-234609216-C-G. GRCh37 (hg19) VCF-style: chr1-234744962-C-G.
Other names: c.279G>C, p.Leu93Phe (NM_001077397.1); short protein forms L93F.
Identifiers: ClinVar variation 2786168 (VCV002786168.3), dbSNP rs1442062015, ClinGen allele CA345311348.